The following is an entry in ClinVar:

ClinVar aggregate classification (germline): Uncertain significance (1 of 4 stars; one submission).

Conditions:
Multiple congenital anomalies-hypotonia-seizures syndrome 2 (MCAHS2). Also called: EPILEPTIC ENCEPHALOPATHY, EARLY INFANTILE, 20; GLYCOSYLPHOSPHATIDYLINOSITOL BIOSYNTHESIS DEFECT 4. Identifiers: Orphanet 300496, MedGen C3275508, MONDO:0010466, OMIM 300868.

Submission:

Labcorp Genetics (formerly Invitae), Labcorp
Classification: Uncertain significance for Multiple congenital anomalies-hypotonia-seizures syndrome 2. Last evaluated: 2019-07-09. Review status: criteria provided, single submitter. Criteria: Invitae Variant Classification Sherloc (09022015). Collection method: clinical testing. Allele origin: germline.
Comment: This sequence change replaces proline with leucine at codon 200 of the PIGA protein (p.Pro200Leu). The proline residue is highly conserved and there is a moderate physicochemical difference between proline and leucine. This variant is not present in population databases (ExAC no frequency). This variant has not been reported in the literature in individuals with PIGA-related conditions. Algorithms developed to predict the effect of missense changes on protein structure and function are either unavailable or do not agree on the potential impact of this missense change (SIFT: "Deleterious"; PolyPhen-2: "Probably Damaging"; Align-GVGD: "Class C0"). In summary, the available evidence is currently insufficient to determine the role of this variant in disease. Therefore, it has been classified as a Variant of Uncertain Significance.

NM_002641.4(PIGA):c.599C>T (p.Pro200Leu)

Gene: PIGA (phosphatidylinositol glycan anchor biosynthesis class A; minus strand). Cytogenetic location: Xp22.2.
Variant type: single nucleotide variant.
Coding change: c.599C>T on transcript NM_002641.4 (MANE Select); coding-DNA position 599, C replaced by T.
Protein change: p.Pro200Leu; replaces proline 200 with leucine.
Molecular consequence: missense variant. On other transcripts: intron variant (1).
Genome position (GRCh38, 1-based): chrX:15,331,332, G>A on the plus strand (C>T on the coding strand, the complement: PIGA is on the minus strand). VCF-style: chrX-15331332-G-A. GRCh37 (hg19) VCF-style: chrX-15349454-G-A.
Other names: c.13+4169C>T (NM_020473.3); short protein forms P200L.
Identifiers: ClinVar variation 944230 (VCV000944230.10), dbSNP rs1922148351, ClinGen allele CA412338959.